The following is an entry in ClinVar:

NM_000535.7(PMS2):c.859A>T (p.Arg287Ter)

Gene: PMS2 (PMS1 homolog 2, mismatch repair system component; minus strand). Cytogenetic location: 7p22.1.
Variant type: single nucleotide variant.
Coding change: c.859A>T on transcript NM_000535.7 (MANE Select); coding-DNA position 859, A replaced by T.
Protein change: p.Arg287Ter; replaces arginine 287 with a stop codon.
Molecular consequence: nonsense. On other transcripts: 5 prime UTR variant (2), non-coding transcript variant (1).
Genome position (GRCh38, 1-based): chr7:5,995,578, T>A on the plus strand (A>T on the coding strand, the complement: PMS2 is on the minus strand). VCF-style: chr7-5995578-T-A. GRCh37 (hg19) VCF-style: chr7-6035209-T-A.
Other names: c.454A>T, p.Arg152Ter (NM_001018040.1, NM_001322003.2, NM_001322004.2 and 20 more transcripts); c.859A>T, p.Arg287Ter (NM_001322006.2, NM_001322014.2, NM_001406870.1 and 2 more transcripts); c.541A>T, p.Arg181Ter (NM_001322007.2, NM_001322008.2, NM_001406876.1 and 4 more transcripts); c.-75A>T (NM_001322011.2, NM_001322012.2); c.286A>T, p.Arg96Ter (NM_001322013.2, NM_001406909.1); c.550A>T, p.Arg184Ter (NM_001322015.2, NM_001406875.1, NM_001406877.1 and 6 more transcripts); c.1045A>T, p.Arg349Ter (NM_001406866.1); c.883A>T, p.Arg295Ter (NM_001406868.1); and 4 more; short protein forms R231*, R349*, R116*, R175*, R181*, R184*, R251*, R295*.
Identifiers: ClinVar variation 1763969 (VCV001763969.2), dbSNP rs876658712, ClinGen allele CA366743479.

ClinVar aggregate classification (germline): Pathogenic (1 of 4 stars; one submission).

Conditions:
Hereditary cancer-predisposing syndrome. Also called: Neoplastic Syndromes, Hereditary; Tumor predisposition; Hereditary Cancer Syndrome; Hereditary neoplastic syndrome. Identifiers: Orphanet 140162, MedGen C0027672, MeSH D009386, MONDO:0015356.

Submission:

Ambry Genetics
Classification: Pathogenic for Hereditary cancer-predisposing syndrome. Last evaluated: 2021-10-20. Review status: criteria provided, single submitter. Criteria: Ambry Variant Classification Scheme 2023. Collection method: clinical testing. Allele origin: germline.
Comment: The p.R287* pathogenic mutation (also known as c.859A>T), located in coding exon 8 of the PMS2 gene, results from an A to T substitution at nucleotide position 859. This changes the amino acid from an arginine to a stop codon within coding exon 8. This alteration is expected to result in loss of function by premature protein truncation or nonsense-mediated mRNA decay. As such, this alteration is interpreted as a disease-causing mutation.